The following is an entry in ClinVar:

NM_000283.4(PDE6B):c.278G>C (p.Ser93Thr)

Gene: PDE6B (phosphodiesterase 6B; plus strand). Cytogenetic location: 4p16.3.
Variant type: single nucleotide variant.
Coding change: c.278G>C on transcript NM_000283.4 (MANE Select); coding-DNA position 278, G replaced by C.
Protein change: p.Ser93Thr; replaces serine 93 with threonine.
Molecular consequence: missense variant.
Genome position (GRCh38, 1-based): chr4:625,904, G>C. VCF-style: chr4-625904-G-C. GRCh37 (hg19) VCF-style: chr4-619693-G-C.
Other names: c.278G>C, p.Ser93Thr (NM_001145291.2); short protein forms S93T.
Identifiers: ClinVar variation 1310698 (VCV001310698.2), dbSNP rs1331925035, ClinGen allele CA355906650.

ClinVar aggregate classification (germline): Uncertain significance (1 of 4 stars; one submission).

Submission:

GeneDx
Classification: Uncertain significance. Last evaluated: 2019-11-26. Review status: criteria provided, single submitter. Criteria: GeneDx Variant Classification Process June 2021. Collection method: clinical testing. Allele origin: germline. Affected: yes.
Comment: Not observed in large population cohorts (Lek et al., 2016); In silico analysis, which includes protein predictors and evolutionary conservation, supports a deleterious effect; Has not been previously published as pathogenic or benign to our knowledge